The following is an entry in ClinVar:

ClinVar aggregate classification (germline): Uncertain significance (1 of 4 stars; one submission).

Conditions:
Hereditary cancer-predisposing syndrome. Also called: Hereditary Cancer Syndrome; Hereditary neoplastic syndrome; Neoplastic Syndromes, Hereditary; Tumor predisposition. Identifiers: Orphanet 140162, MedGen C0027672, MeSH D009386, MONDO:0015356.

Submission:

Ambry Genetics
Classification: Uncertain significance for Hereditary cancer-predisposing syndrome. Last evaluated: 2025-04-08. Review status: criteria provided, single submitter. Criteria: Ambry Variant Classification Scheme 2023. Collection method: clinical testing. Allele origin: germline.
Comment: The p.K1821T variant (also known as c.5462A>C), located in coding exon 15 of the APC gene, results from an A to C substitution at nucleotide position 5462. The lysine at codon 1821 is replaced by threonine, an amino acid with similar properties. This amino acid position is conserved. In addition, in silico predictors for this gene do not accurately predict pathogenicity. Based on the available evidence, the clinical significance of this variant remains unclear.

NM_000038.6(APC):c.5462A>C (p.Lys1821Thr)

Gene: APC (APC regulator of Wnt signaling pathway; plus strand). Cytogenetic location: 5q22.2.
Variant type: single nucleotide variant.
Coding change: c.5462A>C on transcript NM_000038.6 (MANE Select); coding-DNA position 5462, A replaced by C.
Protein change: p.Lys1821Thr; replaces lysine 1821 with threonine.
Molecular consequence: missense variant. On other transcripts: non-coding transcript variant (2).
Genome position (GRCh38, 1-based): chr5:112,841,056, A>C. VCF-style: chr5-112841056-A-C. GRCh37 (hg19) VCF-style: chr5-112176753-A-C.
Other names: c.5462A>C, p.Lys1821Thr (NM_001127510.3, NM_001354895.2, NM_001407450.1); c.5408A>C, p.Lys1803Thr (NM_001127511.3); c.5516A>C, p.Lys1839Thr (NM_001354896.2, NM_001407447.1, NM_001407448.1 and 1 more transcripts); c.5492A>C, p.Lys1831Thr (NM_001354897.2); c.5387A>C, p.Lys1796Thr (NM_001354898.2); c.5378A>C, p.Lys1793Thr (NM_001354899.2); c.5339A>C, p.Lys1780Thr (NM_001354900.2); c.5285A>C, p.Lys1762Thr (NM_001354901.2, NM_001407453.1); and 11 more; short protein forms K1730T, K1738T, K1762T, K1803T, K1661T, K1780T, K1814T, K1839T.
Identifiers: ClinVar variation 3928588 (VCV003928588.1).
Genomic context (GRCh38, chr5:112,841,056, plus strand): 5'-CTGAGAGAGTTTTCTCAGACAACAAAGATTCAAAGAAACAGAATTTGAAAAATAATTCCA[A>C]GGTCTTCAATGATAAGCTCCCAAATAATGAAGATAGAGTCAGAGGAAGTTTTGCTTTTGA-3'
Protein context (NP_000029.2, residues 1811-1831): SKKQNLKNNS[Lys1821Thr]VFNDKLPNNE